The following is an entry in ClinVar:

ClinVar aggregate classification (germline): Uncertain significance (1 of 4 stars; one submission).

gnomAD v4.1: 1 of 1,613,414 alleles (0.000062%); highest among the groups gnomAD compares: Non-Finnish European, 0.000085%; no homozygotes.

Submission:

Ambry Genetics
Classification: Uncertain significance. Last evaluated: 2022-09-08. Review status: criteria provided, single submitter. Criteria: Ambry Variant Classification Scheme 2023. Collection method: clinical testing. Allele origin: germline.
Comment: The p.Q2380H variant (also known as c.7140G>C), located in coding exon 25 of the POLQ gene, results from a G to C substitution at nucleotide position 7140. The glutamine at codon 2380 is replaced by histidine, an amino acid with highly similar properties. This amino acid position is conserved. In addition, the in silico prediction for this alteration is inconclusive. Since supporting evidence is limited at this time, the clinical significance of this alteration remains unclear.

NM_199420.4(POLQ):c.7140G>C (p.Gln2380His)

Gene: POLQ (DNA polymerase theta; minus strand). Cytogenetic location: 3q13.33.
Variant type: single nucleotide variant.
Coding change: c.7140G>C on transcript NM_199420.4 (MANE Select); coding-DNA position 7140, G replaced by C.
Protein change: p.Gln2380His; replaces glutamine 2380 with histidine.
Molecular consequence: missense variant.
Genome position (GRCh38, 1-based): chr3:121,460,062, C>G on the plus strand (G>C on the coding strand, the complement: POLQ is on the minus strand). VCF-style: chr3-121460062-C-G. GRCh37 (hg19) VCF-style: chr3-121178909-C-G.
Other names: short protein forms Q2380H.
Identifiers: ClinVar variation 1757353 (VCV001757353.2), dbSNP rs759454983, ClinGen allele CA354106704.